The following is an entry in ClinVar:

NM_052867.4(NALCN):c.157G>C (p.Val53Leu)

Gene: NALCN (sodium leak channel, non-selective; minus strand). Cytogenetic location: 13q33.1.
Variant type: single nucleotide variant.
Coding change: c.157G>C on transcript NM_052867.4 (MANE Select); coding-DNA position 157, G replaced by C.
Protein change: p.Val53Leu; replaces valine 53 with leucine.
Molecular consequence: missense variant.
Genome position (GRCh38, 1-based): chr13:101,395,317, C>G on the plus strand (G>C on the coding strand, the complement: NALCN is on the minus strand). VCF-style: chr13-101395317-C-G. GRCh37 (hg19) VCF-style: chr13-102047668-C-G.
Other names: c.157G>C, p.Val53Leu (NM_001350750.2, NM_001350751.2, NM_001350748.2 and 1 more transcripts); short protein forms V53L.
Identifiers: ClinVar variation 1308407 (VCV001308407.2), dbSNP rs754034461, ClinGen allele CA7036531.

ClinVar aggregate classification (germline): Uncertain significance (1 of 4 stars; one submission).

Allele frequency attached by ClinVar (database versions not stated): gnomAD exomes below 0.00001 and 0.00001; TOPMed below 0.00001; ExAC 0.00001; gnomAD 0.00001.

Submission:

GeneDx
Classification: Uncertain significance. Last evaluated: 2019-03-29. Review status: criteria provided, single submitter. Criteria: GeneDx Variant Classification Process June 2021. Collection method: clinical testing. Allele origin: germline. Affected: yes.
Comment: In silico analysis, which includes protein predictors and evolutionary conservation, supports that this variant does not alter protein structure/function; Has not been previously published as pathogenic or benign to our knowledge